The following is an entry in ClinVar:

NM_182641.4(BPTF):c.3004C>T (p.Leu1002Phe)

Gene: BPTF (bromodomain PHD finger transcription factor; plus strand). Cytogenetic location: 17q24.2.
Variant type: single nucleotide variant.
Coding change: c.3004C>T on transcript NM_182641.4 (MANE Select); coding-DNA position 3004, C replaced by T.
Protein change: p.Leu1002Phe; replaces leucine 1002 with phenylalanine.
Molecular consequence: missense variant.
Genome position (GRCh38, 1-based): chr17:67,910,888, C>T. VCF-style: chr17-67910888-C-T. GRCh37 (hg19) VCF-style: chr17-65907004-C-T.
Other names: c.3382C>T, p.Leu1128Phe (NM_004459.7); short protein forms L1002F, L1128F.
Identifiers: ClinVar variation 1989127 (VCV001989127.4), dbSNP rs773507500, ClinGen allele CA8725582.
Genomic context (GRCh38, chr17:67,910,888, plus strand): 5'-CTCCTTTCAGAGTAAAAATTACATTTATATAAATGTCTTTGTTTCACAGATGTGAAGGAG[C>T]TCTTAGATTCTGACAGTGATAAACCCTGCAAGGAAGAACCAATGGAAGTAGACGATGACA-3'
Protein context (NP_872579.2, residues 992-1012): TEKKDQDVKE[Leu1002Phe]LDSDSDKPCK

ClinVar aggregate classification (germline): Uncertain significance (1 of 4 stars; one submission).

Allele frequency attached by ClinVar (database versions not stated): gnomAD 0.00001; TOPMed 0.00003; ExAC 0.00005.
gnomAD v4.1: 22 of 1,580,484 alleles (0.0014%); highest among the groups gnomAD compares: Admixed American, 0.042%; no homozygotes.

Submission:

Labcorp Genetics (formerly Invitae), Labcorp
Classification: Uncertain significance. Last evaluated: 2023-04-05. Review status: criteria provided, single submitter. Criteria: Invitae Variant Classification Sherloc (09022015). Collection method: clinical testing. Allele origin: germline.
Comment: This sequence change replaces leucine, which is neutral and non-polar, with phenylalanine, which is neutral and non-polar, at codon 1128 of the BPTF protein (p.Leu1128Phe). This variant is present in population databases (rs773507500, gnomAD 0.06%), and has an allele count higher than expected for a pathogenic variant. This variant has not been reported in the literature in individuals affected with BPTF-related conditions. ClinVar contains an entry for this variant (Variation ID: 1989127). An algorithm developed to predict the effect of missense changes on protein structure and function (PolyPhen-2) suggests that this variant is likely to be tolerated. In summary, the available evidence is currently insufficient to determine the role of this variant in disease. Therefore, it has been classified as a Variant of Uncertain Significance.